The following is an entry in ClinVar:

NM_019066.5(MAGEL2):c.1656del (p.Ala553fs)

Gene: MAGEL2 (MAGE family member L2; minus strand). Cytogenetic location: 15q11.2.
Variant type: Deletion.
Coding change: c.1656del on transcript NM_019066.5 (MANE Select); coding-DNA position 1656, one base deleted (C; older notation c.1656delC).
Protein change: p.Ala553fs; shifts the reading frame from alanine 553.
Molecular consequence: frameshift variant.
Genome position (GRCh38, 1-based): chr15:23,646,087, G deleted on the plus strand (C on the coding strand, the reverse complement: MAGEL2 is on the minus strand); the first of 3 consecutive G bases (chr15:23,646,087-23,646,089); deleting any one gives the same sequence. VCF-style (leftmost placement, unchanged base first): chr15-23646086-CG-C. GRCh37 (hg19) VCF-style: chr15-23891233-CG-C.
Other names: short protein forms A553fs.
Identifiers: ClinVar variation 2572401 (VCV002572401.1), dbSNP rs2503979926, ClinGen allele CA2580613778.

ClinVar aggregate classification (germline): Likely pathogenic (1 of 4 stars; one submission).

Conditions:
Schaaf-Yang syndrome (SHFYNG). Also called: MAGEL2-related Prader-Willi-like syndrome; Arthrogryposis, distal, with hypopituitarism, intellectual disability, and facial anomalies. Identifiers: Orphanet 398069, MedGen C5575066, MONDO:0014243, OMIM 615547.

Submission:

3billion
Classification: Likely pathogenic for Schaaf-Yang syndrome. Review status: criteria provided, single submitter. Criteria: ACMG Guidelines, 2015. Collection method: clinical testing. Allele origin: unknown. Affected: yes. Observed: 1 heterozygote.
Comment: The variant is not observed in the gnomAD v2.1.1 dataset. The variant is predicted to result in a loss or disruption of normal protein function through protein truncation. The predicted truncated protein may be shortened by more than 10%. Therefore, this variant is classified as Likely pathogenic according to the recommendation of ACMG/AMP guideline.